The following is an entry in ClinVar:

NM_001278116.2(L1CAM):c.3531-12G>A

Gene: L1CAM (L1 cell adhesion molecule; minus strand). Cytogenetic location: Xq28.
Variant type: single nucleotide variant.
Coding change: c.3531-12G>A on transcript NM_001278116.2 (MANE Select); 12 bases into the intron before coding-DNA position 3531, G replaced by A.
Molecular consequence: intron variant.
Genome position (GRCh38, 1-based): chrX:153,863,391, C>T on the plus strand (G>A on the coding strand, the complement: L1CAM is on the minus strand). VCF-style: chrX-153863391-C-T. GRCh37 (hg19) VCF-style: chrX-153128846-C-T.
Other names: c.3515+86G>A (NM_001143963.2); c.3530+86G>A (NM_024003.3); c.3531-12G>A (NM_000425.5).
Identifiers: ClinVar variation 1213673 (VCV001213673.23), dbSNP rs111247323, ClinGen allele CA2499226462.

ClinVar aggregate classification (germline): Pathogenic/Likely pathogenic. Review status: criteria provided, multiple submitters, no conflicts (2 of 4 stars). 3 submissions from 3 submitters: Pathogenic (2); Likely pathogenic (1). Last evaluated 2024-12-01.

Conditions:
Spastic paraplegia. Identifiers: MedGen C0037772, HP:0001258.

Submissions (3):

CeGaT Center for Human Genetics Tuebingen
Classification: Likely pathogenic. Last evaluated: 2024-12-01. Review status: criteria provided, single submitter. Criteria: CeGaT Center For Human Genetics Tuebingen Variant Classification Criteria Version 2. Collection method: clinical testing. Allele origin: germline. Affected: yes. Observed: 2 variant alleles.
Comment: L1CAM: PM2, PS4:Moderate, PP1, PP3, PS3:Supporting

GeneDx
Classification: Pathogenic. Last evaluated: 2023-10-02. Review status: criteria provided, single submitter. Criteria: GeneDx Variant Classification Process June 2021. Collection method: clinical testing. Allele origin: germline. Affected: yes.
Comment: Not observed in large population cohorts (gnomAD); In silico analysis supports a deleterious effect on splicing; This variant is associated with the following publications: (PMID: 25948108, 9610803, 7762552)

Labcorp Genetics (formerly Invitae), Labcorp
Classification: Pathogenic for Spastic paraplegia. Last evaluated: 2022-07-31. Review status: criteria provided, single submitter. Criteria: Invitae Variant Classification Sherloc (09022015). Collection method: clinical testing. Allele origin: germline.
Comment: This variant is not present in population databases (gnomAD no frequency). This variant has been observed in individuals with L1CAM-related conditions (PMID: 7762552, 25948108). It has also been observed to segregate with disease in related individuals. ClinVar contains an entry for this variant (Variation ID: 1213673). Studies have shown that this variant is associated with altered splicing resulting in a slightly longer mRNA product (PMID: 7762552). For these reasons, this variant has been classified as Pathogenic. This sequence change falls in intron 26 of the L1CAM gene. It does not directly change the encoded amino acid sequence of the L1CAM protein.

Literature cited by the submitters: PubMed 7762552 (cited by Labcorp Genetics (formerly Invitae), Labcorp); PubMed 25948108 (cited by Labcorp Genetics (formerly Invitae), Labcorp).